The following is an entry in ClinVar:

NM_001852.4(COL9A2):c.1714C>A (p.Pro572Thr)

Gene: COL9A2 (collagen type IX alpha 2 chain; minus strand). Cytogenetic location: 1p34.2.
Variant type: single nucleotide variant.
Coding change: c.1714C>A on transcript NM_001852.4 (MANE Select); coding-DNA position 1714, C replaced by A.
Protein change: p.Pro572Thr; replaces proline 572 with threonine.
Molecular consequence: missense variant.
Genome position (GRCh38, 1-based): chr1:40,302,699, G>T on the plus strand (C>A on the coding strand, the complement: COL9A2 is on the minus strand). VCF-style: chr1-40302699-G-T. GRCh37 (hg19) VCF-style: chr1-40768371-G-T.
Other names: short protein forms P572T.
Identifiers: ClinVar variation 1423187 (VCV001423187.6), dbSNP rs1325843754, ClinGen allele CA339876205.

ClinVar aggregate classification (germline): Uncertain significance (1 of 4 stars; one submission).

Allele frequency attached by ClinVar (database versions not stated): gnomAD exomes below 0.00001.
gnomAD v4.1: 2 of 1,589,266 alleles (0.00013%); highest among the groups gnomAD compares: Admixed American, 0.0035%; no homozygotes.

Submission:

Labcorp Genetics (formerly Invitae), Labcorp
Classification: Uncertain significance. Last evaluated: 2021-10-21. Review status: criteria provided, single submitter. Criteria: Invitae Variant Classification Sherloc (09022015). Collection method: clinical testing. Allele origin: germline.
Comment: This sequence change replaces proline with threonine at codon 572 of the COL9A2 protein (p.Pro572Thr). The proline residue is highly conserved and there is a small physicochemical difference between proline and threonine. This variant is not present in population databases (ExAC no frequency). This variant has not been reported in the literature in individuals affected with COL9A2-related conditions. Advanced modeling of protein sequence and biophysical properties (such as structural, functional, and spatial information, amino acid conservation, physicochemical variation, residue mobility, and thermodynamic stability) performed at Invitae indicates that this missense variant is not expected to disrupt COL9A2 protein function. In summary, the available evidence is currently insufficient to determine the role of this variant in disease. Therefore, it has been classified as a Variant of Uncertain Significance.